The following is an entry in ClinVar:

ClinVar aggregate classification (germline): Uncertain significance. Review status: criteria provided, multiple submitters, no conflicts (2 of 4 stars). 2 submissions from 2 submitters: Uncertain significance (2). Last evaluated 2026-09-23.

Conditions:
CP-related disorder. Also called: CP-related condition.
Inborn genetic diseases. Identifiers: MedGen C0950123, MeSH D030342.

Allele frequency attached by ClinVar (database versions not stated): ExAC 0.00002; gnomAD 0.00004; TOPMed 0.00005; gnomAD exomes 0.00008.
gnomAD v4.1: 134 of 1,614,062 alleles (0.0083%); highest among the groups gnomAD compares: Non-Finnish European, 0.01%; no homozygotes.

Submissions (2):

PreventionGenetics, part of Exact Sciences
Classification: Uncertain significance for CP-related condition. Last evaluated: 2026-09-23. Review status: criteria provided, single submitter. Criteria: ACMG Guidelines, 2015. Collection method: clinical testing. Allele origin: germline.
Comment: The CP c.2116A>G variant is predicted to result in the amino acid substitution p.Thr706Ala. To our knowledge, this variant has not been reported in the literature. This variant is reported in 0.0070% of alleles in individuals of European (Non-Finnish) descent in gnomAD. At this time, the clinical significance of this variant is uncertain due to the absence of conclusive functional and genetic evidence.

Ambry Genetics
Classification: Uncertain significance for Inborn genetic diseases. Last evaluated: 2024-11-23. Review status: criteria provided, single submitter. Criteria: Ambry Variant Classification Scheme 2023. Collection method: clinical testing. Allele origin: germline.

NM_000096.4(CP):c.2116A>G (p.Thr706Ala)

Gene: CP (ceruloplasmin; minus strand). Cytogenetic location: 3q24.
Variant type: single nucleotide variant.
Coding change: c.2116A>G on transcript NM_000096.4 (MANE Select); coding-DNA position 2116, A replaced by G.
Protein change: p.Thr706Ala; replaces threonine 706 with alanine.
Molecular consequence: missense variant. On other transcripts: non-coding transcript variant (1).
Genome position (GRCh38, 1-based): chr3:149,185,408, T>C on the plus strand (A>G on the coding strand, the complement: CP is on the minus strand). VCF-style: chr3-149185408-T-C. GRCh37 (hg19) VCF-style: chr3-148903195-T-C.
Other names: short protein forms T706A.
Identifiers: ClinVar variation 2210734 (VCV002210734.4), dbSNP rs202036068, ClinGen allele CA2660828.